The following is an entry in ClinVar:

ClinVar aggregate classification (germline): Uncertain significance (1 of 4 stars; one submission).

Conditions:
Combined immunodeficiency due to LRBA deficiency. Also called: Common variable immunodeficiency 8, with autoimmunity. Identifiers: Orphanet 445018, MedGen C3553512, MONDO:0013863, OMIM 614700.

Allele frequency attached by ClinVar (database versions not stated): gnomAD exomes 0.00001.
gnomAD v4.1: 13 of 1,612,804 alleles (0.00081%); highest among the groups gnomAD compares: Non-Finnish European, 0.0011%; no homozygotes.

Submission:

Labcorp Genetics (formerly Invitae), Labcorp
Classification: Uncertain significance for Combined immunodeficiency due to LRBA deficiency. Last evaluated: 2021-09-01. Review status: criteria provided, single submitter. Criteria: Invitae Variant Classification Sherloc (09022015). Collection method: clinical testing. Allele origin: germline.
Comment: This sequence change replaces leucine with phenylalanine at codon 843 of the LRBA protein (p.Leu843Phe). The leucine residue is moderately conserved and there is a small physicochemical difference between leucine and phenylalanine. This variant is not present in population databases (ExAC no frequency). This variant has not been reported in the literature in individuals affected with LRBA-related conditions. Algorithms developed to predict the effect of missense changes on protein structure and function are either unavailable or do not agree on the potential impact of this missense change (SIFT: "Tolerated"; PolyPhen-2: "Probably Damaging"; Align-GVGD: "Class C0"). In summary, the available evidence is currently insufficient to determine the role of this variant in disease. Therefore, it has been classified as a Variant of Uncertain Significance.

NM_001364905.1(LRBA):c.2527C>T (p.Leu843Phe)

Gene: LRBA (LPS responsive beige-like anchor protein; minus strand). Cytogenetic location: 4q31.3.
Variant type: single nucleotide variant.
Coding change: c.2527C>T on transcript NM_001364905.1 (MANE Select); coding-DNA position 2527, C replaced by T.
Protein change: p.Leu843Phe; replaces leucine 843 with phenylalanine.
Molecular consequence: missense variant.
Genome position (GRCh38, 1-based): chr4:150,868,228, G>A on the plus strand (C>T on the coding strand, the complement: LRBA is on the minus strand). VCF-style: chr4-150868228-G-A. GRCh37 (hg19) VCF-style: chr4-151789380-G-A.
Other names: c.2527C>T, p.Leu843Phe (NM_001199282.3, NM_001367550.1, NM_006726.5); short protein forms L843F.
Identifiers: ClinVar variation 936517 (VCV000936517.7), dbSNP rs1752978320, ClinGen allele CA358465378.